The following is an entry in ClinVar:

NM_031433.4(MFRP):c.965C>T (p.Pro322Leu)

Genes: C1QTNF5 (C1q and TNF related 5; minus strand), MFRP (membrane frizzled-related protein; minus strand). Cytogenetic location: 11q23.3.
Variant type: single nucleotide variant.
Coding change: c.965C>T on transcript NM_031433.4 (MANE Select); coding-DNA position 965, C replaced by T.
Protein change: p.Pro322Leu; replaces proline 322 with leucine.
Molecular consequence: missense variant. On other transcripts: 5 prime UTR variant (1).
Genome position (GRCh38, 1-based): chr11:119,344,325, G>A on the plus strand (C>T on the coding strand, the complement: MFRP is on the minus strand). VCF-style: chr11-119344325-G-A. GRCh37 (hg19) VCF-style: chr11-119215035-G-A.
Other names: c.-1672C>T (NM_015645.5); short protein forms P322L.
Identifiers: ClinVar variation 841784 (VCV000841784.9), dbSNP rs774285673, ClinGen allele CA6320317.
Genomic context (GRCh38, chr11:119,344,325, plus strand): 5'-AGGTGCTTCCGTGTGTGCCCCTCCCGTTCTGCATGGAGCACTGTGCTTACCAGTTGGTGA[G>A]GGTACTGCTGCAGGTAGCTGGGAGTAGAGAAAGTGCCCTGGAGGCCAGTCAGATTCCCCC-3'
Protein context (NP_113621.1, residues 312-332): FSTPSYLQQY[Pro322Leu]HQLLCTWHIS

ClinVar aggregate classification (germline): Uncertain significance. Review status: criteria provided, multiple submitters, no conflicts (2 of 4 stars). 2 submissions from 2 submitters: Uncertain significance (2). Last evaluated 2023-05-11.

Conditions:
Isolated microphthalmia 5. Also called: Posterior Microphthalmia with Retinitis Pigmentosa, Foveoschisis, and Optic Disc Drusen. Identifiers: Orphanet 251279, MedGen C1970236, MONDO:0012605, OMIM 611040.

Allele frequency attached by ClinVar (database versions not stated): TOPMed 0.00003; gnomAD 0.00007; ExAC 0.00002; gnomAD exomes 0.00002.
gnomAD v4.1: 38 of 1,613,908 alleles (0.0024%); highest among the groups gnomAD compares: Non-Finnish European, 0.0025%; no homozygotes.

Submissions (2):

Blueprint Genetics
Classification: Uncertain significance. Last evaluated: 2023-05-11. Review status: criteria provided, single submitter. Criteria: ACMG Guidelines, 2015. Collection method: clinical testing. Allele origin: germline.

Labcorp Genetics (formerly Invitae), Labcorp
Classification: Uncertain significance for Isolated microphthalmia 5. Last evaluated: 2022-02-01. Review status: criteria provided, single submitter. Criteria: Invitae Variant Classification Sherloc (09022015). Collection method: clinical testing. Allele origin: germline.
Comment: This sequence change replaces proline, which is neutral and non-polar, with leucine, which is neutral and non-polar, at codon 322 of the MFRP protein (p.Pro322Leu). This variant is present in population databases (rs774285673, gnomAD 0.004%). This variant has not been reported in the literature in individuals affected with MFRP-related conditions. ClinVar contains an entry for this variant (Variation ID: 841784). Algorithms developed to predict the effect of missense changes on protein structure and function are either unavailable or do not agree on the potential impact of this missense change (SIFT: "Deleterious"; PolyPhen-2: "Possibly Damaging"; Align-GVGD: "Class C0"). In summary, the available evidence is currently insufficient to determine the role of this variant in disease. Therefore, it has been classified as a Variant of Uncertain Significance.